The following is an entry in ClinVar:

NM_005045.4(RELN):c.857A>G (p.Tyr286Cys)

Gene: RELN (reelin; minus strand). Cytogenetic location: 7q22.1.
Variant type: single nucleotide variant.
Coding change: c.857A>G on transcript NM_005045.4 (MANE Select); coding-DNA position 857, A replaced by G.
Protein change: p.Tyr286Cys; replaces tyrosine 286 with cysteine.
Molecular consequence: missense variant.
Genome position (GRCh38, 1-based): chr7:103,700,955, T>C on the plus strand (A>G on the coding strand, the complement: RELN is on the minus strand). VCF-style: chr7-103700955-T-C. GRCh37 (hg19) VCF-style: chr7-103341402-T-C.
Other names: c.857A>G, p.Tyr286Cys (NM_173054.3); short protein forms Y286C.
Identifiers: ClinVar variation 2932236 (VCV002932236.3), dbSNP rs2484938035, ClinGen allele CA368928039.

ClinVar aggregate classification (germline): Uncertain significance (1 of 4 stars; one submission).

Conditions:
Norman-Roberts syndrome (LIS2). Also called: Lissencephaly 2 (Norman-Roberts type). Identifiers: Orphanet 89844, MedGen C0796089, MONDO:0009760, OMIM 257320.
Familial temporal lobe epilepsy 7. Identifiers: Orphanet 101046, MedGen C4225327, MONDO:0014639, OMIM 616436.

Submission:

Labcorp Genetics (formerly Invitae), Labcorp
Classification: Uncertain significance for Familial temporal lobe epilepsy 7; Norman-Roberts syndrome. Last evaluated: 2023-02-04. Review status: criteria provided, single submitter. Criteria: Invitae Variant Classification Sherloc (09022015). Collection method: clinical testing. Allele origin: germline.
Comment: This variant is not present in population databases (gnomAD no frequency). This sequence change replaces tyrosine, which is neutral and polar, with cysteine, which is neutral and slightly polar, at codon 286 of the RELN protein (p.Tyr286Cys). This variant has not been reported in the literature in individuals affected with RELN-related conditions. Advanced modeling of protein sequence and biophysical properties (such as structural, functional, and spatial information, amino acid conservation, physicochemical variation, residue mobility, and thermodynamic stability) performed at Invitae indicates that this missense variant is not expected to disrupt RELN protein function. In summary, the available evidence is currently insufficient to determine the role of this variant in disease. Therefore, it has been classified as a Variant of Uncertain Significance.